The following is an entry in ClinVar:

ClinVar aggregate classification (germline): Pathogenic (1 of 4 stars; one submission).

Submission:

Labcorp Genetics (formerly Invitae), Labcorp
Classification: Pathogenic. Last evaluated: 2023-11-28. Review status: criteria provided, single submitter. Criteria: Invitae Variant Classification Sherloc (09022015). Collection method: clinical testing. Allele origin: unknown.
Comment: This variant is a gross deletion of the genomic region encompassing exon(s) 2 of the LAMC3 gene. This deletion is out-of-frame, and is expected to create a premature termination codon and result in an absent or disrupted protein product. Loss-of-function variants in LAMC3 are known to be pathogenic (PMID: 21572413, 26802095). This variant has not been reported in the literature in individuals affected with LAMC3-related conditions. For these reasons, this variant has been classified as Pathogenic.

Literature cited by the submitters: PubMed 21572413; PubMed 26802095.

NC_000009.11:g.(?_133901652)_(133901996_?)del

Gene: LAMC3 (laminin subunit gamma 3; plus strand). Cytogenetic location: 9q34.12.
Variant type: Deletion.
Identifiers: ClinVar variation 3245337 (VCV003245337.1).